The following is an entry in ClinVar:

NM_004006.3(DMD):c.5632C>T (p.Gln1878Ter)

Gene: DMD (dystrophin; minus strand). Cytogenetic location: Xp21.1.
Variant type: single nucleotide variant.
Coding change: c.5632C>T on transcript NM_004006.3 (MANE Select); coding-DNA position 5632, C replaced by T.
Protein change: p.Gln1878Ter; replaces glutamine 1878 with a stop codon.
Molecular consequence: nonsense.
Genome position (GRCh38, 1-based): chrX:32,343,241, G>A on the plus strand (C>T on the coding strand, the complement: DMD is on the minus strand). VCF-style: chrX-32343241-G-A. GRCh37 (hg19) VCF-style: chrX-32361358-G-A.
Other names: c.5608C>T, p.Gln1870Ter (NM_000109.4); c.5620C>T, p.Gln1874Ter (NM_004009.3); c.5263C>T, p.Gln1755Ter (NM_004010.3); c.1609C>T, p.Gln537Ter (NM_004011.4); c.1600C>T, p.Gln534Ter (NM_004012.4); short protein forms Q1755*, Q1870*, Q1874*, Q1878*, Q534*, Q537*.
Identifiers: ClinVar variation 1319977 (VCV001319977.3), dbSNP rs2146992010, ClinGen allele CA412666201.
Genomic context (GRCh38, chrX:32,343,241, plus strand): 5'-TTTCAATGTCATCCAAGCATTTCAGGAGATCATCAGCCTGCCTCTTGTACTGATACCACT[G>A]ATGAGAAATTTCTAGAGCCTTTTTTCTTCTTTGAGACCTCAAATCCTGTTCATGGTGCAG-3'

ClinVar aggregate classification (germline): Pathogenic (1 of 4 stars; one submission).

Conditions:
Becker muscular dystrophy (BMD). Also called: MUSCULAR DYSTROPHY, PSEUDOHYPERTROPHIC PROGRESSIVE, BECKER TYPE; Becker Muscular Dystrophy (BMD). Identifiers: Orphanet 98895, MedGen C0917713, MONDO:0010311, OMIM 300376.

Submission:

Center for Human Genetics and Genomic Medicine, Uniklinik Rwth Aachen
Classification: Pathogenic for Becker muscular dystrophy. Last evaluated: 2021-10-18. Review status: criteria provided, single submitter. Criteria: ACMG Guidelines, 2015. Collection method: clinical testing. Allele origin: unknown. Inheritance: X-linked inheritance. Affected: yes.
Comment: Loss-of-function variants in the DMD gene are known to be pathogenic. The variant is absent from gnomAD but has been reported in the literature in two individuals with Becker muscular dystrophy (Wang 2019). Therefore, the variant was classified as a "pathogenic variant" (ACMG criteria).

Literature cited by the submitters: PubMed 30833962.